The following is an entry in ClinVar:

ClinVar aggregate classification (germline): Uncertain significance (1 of 4 stars; one submission).

Conditions:
Angelman syndrome (AS). Also called: HAPPY PUPPET SYNDROME. Identifiers: Orphanet 72, MedGen C0162635, MONDO:0007113, OMIM 105830. Disease mechanism: loss of function. Inheritance: AS is caused by disruption of maternally imprinted UBE3A located within the 15q11.2-q13 Angelman syndrome/Prader-Willi syndrome (AS/PWS) region., imprinting disorder.

gnomAD v4.1: 1 of 1,613,946 alleles (0.000062%); highest among the groups gnomAD compares: Admixed American, 0.0017%; no homozygotes.

Submission:

Labcorp Genetics (formerly Invitae), Labcorp
Classification: Uncertain significance for Angelman syndrome. Last evaluated: 2022-07-05. Review status: criteria provided, single submitter. Criteria: Invitae Variant Classification Sherloc (09022015). Collection method: clinical testing. Allele origin: germline.
Comment: Algorithms developed to predict the effect of missense changes on protein structure and function are either unavailable or do not agree on the potential impact of this missense change (SIFT: "Not Available"; PolyPhen-2: "Benign"; Align-GVGD: "Not Available"). In summary, the available evidence is currently insufficient to determine the role of this variant in disease. Therefore, it has been classified as a Variant of Uncertain Significance. ClinVar contains an entry for this variant (Variation ID: 1366454). This variant has not been reported in the literature in individuals affected with UBE3A-related conditions. This variant is not present in population databases (gnomAD no frequency). This sequence change replaces threonine with isoleucine at codon 367 of the UBE3A protein (p.Thr367Ile). The threonine residue is moderately conserved and there is a moderate physicochemical difference between threonine and isoleucine.

NM_130839.5(UBE3A):c.1160C>T (p.Thr387Ile)

Genes: SNHG14 (small nucleolar RNA host gene 14; plus strand), UBE3A (ubiquitin protein ligase E3A; minus strand). Cytogenetic location: 15q11.2.
Variant type: single nucleotide variant.
Coding change: c.1160C>T on transcript NM_130839.5 (MANE Select); coding-DNA position 1160, C replaced by T.
Protein change: p.Thr387Ile; replaces threonine 387 with isoleucine.
Molecular consequence: missense variant. On other transcripts: non-coding transcript variant (1), intron variant (2).
Genome position (GRCh38, 1-based): chr15:25,371,014, G>A on the plus strand (C>T on the coding strand, the complement: UBE3A is on the minus strand). VCF-style: chr15-25371014-G-A. GRCh37 (hg19) VCF-style: chr15-25616161-G-A.
Other names: c.1169C>T, p.Thr390Ile (NM_000462.5); c.1160C>T, p.Thr387Ile (NM_001354505.1, NM_001354538.2, NM_001354545.2); c.1100C>T, p.Thr367Ile (NM_001354506.2, NM_001354507.2, NM_001354508.2 and 17 more transcripts); c.983C>T, p.Thr328Ile (NM_001354546.2); c.301+4451C>T (NM_001354551.2); c.361+4451C>T (NM_001354550.2); short protein forms T367I, T328I, T387I, T390I.
Identifiers: ClinVar variation 1366454 (VCV001366454.8), dbSNP rs2152821323, ClinGen allele CA391354226.